The following is an entry in ClinVar:

ClinVar aggregate classification (germline): Uncertain significance (1 of 4 stars; one submission).

Conditions:
RYR1-related disorder. Also called: RYR1-related condition; RYR1-related disorders. Identifiers: MedGen CN239331.

Submission:

Labcorp Genetics (formerly Invitae), Labcorp
Classification: Uncertain significance for RYR1-related disorder. Last evaluated: 2022-07-19. Review status: criteria provided, single submitter. Criteria: Invitae Variant Classification Sherloc (09022015). Collection method: clinical testing. Allele origin: germline.
Comment: In summary, the available evidence is currently insufficient to determine the role of this variant in disease. Therefore, it has been classified as a Variant of Uncertain Significance. Advanced modeling of protein sequence and biophysical properties (such as structural, functional, and spatial information, amino acid conservation, physicochemical variation, residue mobility, and thermodynamic stability) performed at Invitae indicates that this missense variant is not expected to disrupt RYR1 protein function. ClinVar contains an entry for this variant (Variation ID: 1449479). This variant has not been reported in the literature in individuals affected with RYR1-related conditions. This variant is not present in population databases (gnomAD no frequency). This sequence change replaces leucine, which is neutral and non-polar, with methionine, which is neutral and non-polar, at codon 1771 of the RYR1 protein (p.Leu1771Met).

NM_000540.3(RYR1):c.5311C>A (p.Leu1771Met)

Gene: RYR1 (ryanodine receptor 1; plus strand). Cytogenetic location: 19q13.2.
Variant type: single nucleotide variant.
Coding change: c.5311C>A on transcript NM_000540.3 (MANE Select); coding-DNA position 5311, C replaced by A.
Protein change: p.Leu1771Met; replaces leucine 1771 with methionine.
Molecular consequence: missense variant.
Genome position (GRCh38, 1-based): chr19:38,485,966, C>A. VCF-style: chr19-38485966-C-A. GRCh37 (hg19) VCF-style: chr19-38976606-C-A.
Other names: c.5311C>A, p.Leu1771Met (NM_001042723.2); short protein forms L1771M.
Identifiers: ClinVar variation 1449479 (VCV001449479.6), dbSNP rs2145544214, ClinGen allele CA405654610.